The following is an entry in ClinVar:

NM_003052.5(SLC34A1):c.1150G>T (p.Val384Phe)

Gene: SLC34A1 (solute carrier family 34 member 1; plus strand). Cytogenetic location: 5q35.3.
Variant type: single nucleotide variant.
Coding change: c.1150G>T on transcript NM_003052.5 (MANE Select); coding-DNA position 1150, G replaced by T.
Protein change: p.Val384Phe; replaces valine 384 with phenylalanine.
Molecular consequence: missense variant.
Genome position (GRCh38, 1-based): chr5:177,394,171, G>T. VCF-style: chr5-177394171-G-T. GRCh37 (hg19) VCF-style: chr5-176821172-G-T.
Other names: short protein forms V384F.
Identifiers: ClinVar variation 1954567 (VCV001954567.7), dbSNP rs533288233, ClinGen allele CA3580660.

ClinVar aggregate classification (germline): Uncertain significance. Review status: criteria provided, multiple submitters, no conflicts (2 of 4 stars). 3 submissions from 3 submitters: Uncertain significance (3). Last evaluated 2024-09-17.

Conditions:
Hypercalcemia, infantile, 2 (HCINF2). Identifiers: Orphanet 300547, MedGen C4310473, MONDO:0014851, OMIM 616963.
Hypophosphatemic nephrolithiasis/osteoporosis 1. Identifiers: Orphanet 244305, MedGen C2676786, MONDO:0012850, OMIM 612286.
Fanconi renotubular syndrome 2 (FRTS2). Identifiers: MedGen C3150652, MONDO:0013247, OMIM 613388.

Allele frequency attached by ClinVar (database versions not stated): ExAC 0.00003; 1000 Genomes Project 30x 0.00016; 1000 Genomes Project 0.00020.
gnomAD v4.1: 23 of 1,614,040 alleles (0.0014%); highest among the groups gnomAD compares: African/African-American, 0.0027%; no homozygotes.

Submissions (3):

Blueprint Genetics
Classification: Uncertain significance. Last evaluated: 2024-09-17. Review status: criteria provided, single submitter. Criteria: ACMG Guidelines, 2015. Collection method: clinical testing. Allele origin: germline.

Fulgent Genetics
Classification: Uncertain significance for Hypophosphatemic nephrolithiasis/osteoporosis 1; Fanconi renotubular syndrome 2; Hypercalcemia, infantile, 2. Last evaluated: 2024-05-13. Review status: criteria provided, single submitter. Criteria: ACMG Guidelines, 2015. Collection method: clinical testing. Allele origin: germline.

Labcorp Genetics (formerly Invitae), Labcorp
Classification: Uncertain significance. Last evaluated: 2024-02-23. Review status: criteria provided, single submitter. Criteria: Invitae Variant Classification Sherloc (09022015). Collection method: clinical testing. Allele origin: germline.
Comment: This sequence change replaces valine, which is neutral and non-polar, with phenylalanine, which is neutral and non-polar, at codon 384 of the SLC34A1 protein (p.Val384Phe). This variant is present in population databases (rs533288233, gnomAD 0.006%). This variant has not been reported in the literature in individuals affected with SLC34A1-related conditions. ClinVar contains an entry for this variant (Variation ID: 1954567). Advanced modeling of protein sequence and biophysical properties (such as structural, functional, and spatial information, amino acid conservation, physicochemical variation, residue mobility, and thermodynamic stability) performed at Invitae indicates that this missense variant is not expected to disrupt SLC34A1 protein function with a negative predictive value of 80%. In summary, the available evidence is currently insufficient to determine the role of this variant in disease. Therefore, it has been classified as a Variant of Uncertain Significance.